The following is an entry in ClinVar:

ClinVar aggregate classification (germline): Uncertain significance. Review status: criteria provided, multiple submitters, no conflicts (2 of 4 stars). 3 submissions from 3 submitters: Uncertain significance (3). Last evaluated 2024-10-16.

Allele frequency attached by ClinVar (database versions not stated): ExAC 0.00002; gnomAD exomes 0.00002; gnomAD 0.00004.
gnomAD v4.1: 32 of 1,614,080 alleles (0.002%); highest among the groups gnomAD compares: Admixed American, 0.0067%; no homozygotes.

Submissions (3):

Blueprint Genetics
Classification: Uncertain significance. Last evaluated: 2024-10-16. Review status: criteria provided, single submitter. Criteria: ACMG Guidelines, 2015. Collection method: clinical testing. Allele origin: germline.

Ambry Genetics
Classification: Uncertain significance. Last evaluated: 2024-09-27. Review status: criteria provided, single submitter. Criteria: Ambry Variant Classification Scheme 2023. Collection method: clinical testing. Allele origin: germline.

Labcorp Genetics (formerly Invitae), Labcorp
Classification: Uncertain significance. Last evaluated: 2022-03-18. Review status: criteria provided, single submitter. Criteria: Invitae Variant Classification Sherloc (09022015). Collection method: clinical testing. Allele origin: germline.
Comment: This sequence change replaces glutamic acid, which is acidic and polar, with lysine, which is basic and polar, at codon 1200 of the CASZ1 protein (p.Glu1200Lys). This variant is present in population databases (rs764846470, gnomAD 0.01%). This variant has not been reported in the literature in individuals affected with CASZ1-related conditions. Algorithms developed to predict the effect of missense changes on protein structure and function are either unavailable or do not agree on the potential impact of this missense change (SIFT: "Deleterious"; PolyPhen-2: "Probably Damaging"; Align-GVGD: "Class C0"). In summary, the available evidence is currently insufficient to determine the role of this variant in disease. Therefore, it has been classified as a Variant of Uncertain Significance.

NM_001079843.3(CASZ1):c.3598G>A (p.Glu1200Lys)

Gene: CASZ1 (castor zinc finger 1; minus strand). Cytogenetic location: 1p36.22.
Variant type: single nucleotide variant.
Coding change: c.3598G>A on transcript NM_001079843.3 (MANE Select); coding-DNA position 3598, G replaced by A.
Protein change: p.Glu1200Lys; replaces glutamic acid 1200 with lysine.
Molecular consequence: missense variant.
Genome position (GRCh38, 1-based): chr1:10,646,226, C>T on the plus strand (G>A on the coding strand, the complement: CASZ1 is on the minus strand). VCF-style: chr1-10646226-C-T. GRCh37 (hg19) VCF-style: chr1-10706283-C-T.
Other names: c.3598G>A (NM_001079843.1); short protein forms E1200K.
Identifiers: ClinVar variation 1922159 (VCV001922159.7), dbSNP rs764846470, ClinGen allele CA584462.